The following is an entry in ClinVar:

ClinVar aggregate classification (germline): Uncertain significance (1 of 4 stars; one submission).

Conditions:
Hereditary cancer-predisposing syndrome. Also called: Hereditary neoplastic syndrome; Neoplastic Syndromes, Hereditary; Tumor predisposition; Hereditary Cancer Syndrome. Identifiers: Orphanet 140162, MedGen C0027672, MeSH D009386, MONDO:0015356.

gnomAD v4.1: 1 of 1,614,076 alleles (0.000062%); no homozygotes.

Submission:

Ambry Genetics
Classification: Uncertain significance for Hereditary cancer-predisposing syndrome. Last evaluated: 2025-06-26. Review status: criteria provided, single submitter. Criteria: Ambry Variant Classification Scheme 2023. Collection method: clinical testing. Allele origin: germline.
Comment: The p.S2277F variant (also known as c.6830C>T), located in coding exon 15 of the APC gene, results from a C to T substitution at nucleotide position 6830. The serine at codon 2277 is replaced by phenylalanine, an amino acid with highly dissimilar properties. This amino acid position is conserved. In addition, in silico predictors for this gene do not accurately predict pathogenicity. Based on the available evidence, the clinical significance of this variant remains unclear.

NM_000038.6(APC):c.6830C>T (p.Ser2277Phe)

Gene: APC (APC regulator of Wnt signaling pathway; plus strand). Cytogenetic location: 5q22.2.
Variant type: single nucleotide variant.
Coding change: c.6830C>T on transcript NM_000038.6 (MANE Select); coding-DNA position 6830, C replaced by T.
Protein change: p.Ser2277Phe; replaces serine 2277 with phenylalanine.
Molecular consequence: missense variant. On other transcripts: non-coding transcript variant (2).
Genome position (GRCh38, 1-based): chr5:112,842,424, C>T. VCF-style: chr5-112842424-C-T. GRCh37 (hg19) VCF-style: chr5-112178121-C-T.
Other names: c.6830C>T, p.Ser2277Phe (NM_001127510.3, NM_001354895.2, NM_001407450.1); c.6776C>T, p.Ser2259Phe (NM_001127511.3); c.6884C>T, p.Ser2295Phe (NM_001354896.2, NM_001407447.1, NM_001407448.1 and 1 more transcripts); c.6860C>T, p.Ser2287Phe (NM_001354897.2); c.6755C>T, p.Ser2252Phe (NM_001354898.2); c.6746C>T, p.Ser2249Phe (NM_001354899.2); c.6707C>T, p.Ser2236Phe (NM_001354900.2); c.6653C>T, p.Ser2218Phe (NM_001354901.2, NM_001407453.1); and 11 more; short protein forms S1994F, S2218F, S2267F, S2270F, S2259F, S2295F, S2117F, S2176F.
Identifiers: ClinVar variation 4120609 (VCV004120609.1).